The following is an entry in ClinVar:

NM_001138.2(AGRP):c.264A>G (p.Val88=)

Genes: AGRP (agouti related neuropeptide; minus strand), ATP6V0D1-DT (ATP6V0D1 divergent transcript; plus strand). Cytogenetic location: 16q22.1.
Variant type: single nucleotide variant.
Coding change: c.264A>G on transcript NM_001138.2 (MANE Select); coding-DNA position 264, A replaced by G.
Protein change: p.Val88=; no amino-acid change (valine 88 retained).
Molecular consequence: synonymous variant.
Genome position (GRCh38, 1-based): chr16:67,482,771, T>C on the plus strand (A>G on the coding strand, the complement: AGRP is on the minus strand). VCF-style: chr16-67482771-T-C. GRCh37 (hg19) VCF-style: chr16-67516674-T-C.
Identifiers: ClinVar variation 1049092 (VCV001049092.2), dbSNP rs145840661, ClinGen allele CA8111250.

ClinVar aggregate classification (germline): Uncertain significance. Review status: criteria provided, single submitter (1 of 4 stars). 2 submissions from 2 submitters: Uncertain significance (1). 1 of the submissions does not count toward it. Last evaluated 2021-12-10.

Conditions:
Obesity. Also called: Obesity disorder. Identifiers: Orphanet 71529, MedGen C0028754, MeSH D009765, MONDO:0011122, HP:0001513.

Allele frequency attached by ClinVar (database versions not stated): gnomAD exomes 0.00002 and 0.00007; ExAC 0.00006; ESP Exome Variant Server 0.00015; gnomAD 0.00021; TOPMed 0.00028; 1000 Genomes Project 0.00040; 1000 Genomes Project 30x 0.00047.
gnomAD v4.1: 60 of 1,614,158 alleles (0.0037%); highest among the groups gnomAD compares: African/African-American, 0.075%; no homozygotes.

Submissions (2):

Fulgent Genetics
Classification: Uncertain significance for Inherited obesity. Last evaluated: 2021-12-10. Review status: criteria provided, single submitter. Criteria: ACMG Guidelines, 2015. Collection method: clinical testing. Allele origin: unknown.

Department of Pathology and Laboratory Medicine, Sinai Health System
Classification: Uncertain significance. Review status: no assertion criteria provided. Collection method: clinical testing. Allele origin: unknown. Affected: yes. Study: The Canadian Open Genetics Repository (COGR). Not counted in ClinVar's aggregate classification.
Comment: The AGRP p.Val88Val variant was not identified in the literature nor was it identified in ClinVar, Cosmic or LOVD 3.0. The variant was identified in dbSNP (ID: rs145840661) and in control databases in 26 of 282604 chromosomes at a frequency of 0.000092 (Genome Aggregation Database Feb 27, 2017). The variant was observed in the following populations: African in 25 of 24936 chromosomes (freq: 0.001003) and Latino in 1 of 35430 chromosomes (freq: 0.000028); it was not observed in the Ashkenazi Jewish, East Asian, European (Finnish), European (non-Finnish), Other or South Asian populations. The p.Val88Val variant is not expected to have clinical significance because it does not result in a change of amino acid and is not located in a known consensus splice site. The variant occurs outside of the splicing consensus sequence and 2 of 4 in silico or computational prediction software programs (MaxEntScan, NNSPLICE) predict a greater than 10% difference in splicing; this is not very predictive of pathogenicity. In summary, based on the above information the clinical significance of this variant cannot be determined with certainty at this time. This variant is classified as a variant of uncertain significance.